The following is an entry in ClinVar:

NM_033305.3(VPS13A):c.4637del (p.Thr1546fs)

Gene: VPS13A (vacuolar protein sorting 13 homolog A; plus strand). Cytogenetic location: 9q21.2.
Variant type: Deletion.
Coding change: c.4637del on transcript NM_033305.3 (MANE Select); coding-DNA position 4637, one base deleted (C; older notation c.4637delC).
Protein change: p.Thr1546fs; shifts the reading frame from threonine 1546.
Molecular consequence: frameshift variant.
Genome position (GRCh38, 1-based): chr9:77,316,180, C deleted. VCF-style (leftmost placement, unchanged base first): chr9-77316179-AC-A. GRCh37 (hg19) VCF-style: chr9-79931095-AC-A.
Other names: c.4520del, p.Thr1507fs (NM_001018037.2); c.4637del, p.Thr1546fs (NM_001018038.3, NM_015186.4); short protein forms T1507fs, T1546fs.
Identifiers: ClinVar variation 5015169 (VCV005015169.1).

ClinVar aggregate classification (germline): Pathogenic (1 of 4 stars; one submission).

Conditions:
VPS13A-related neurodegenerative disease. Also called: ACANTHOCYTOSIS WITH NEUROLOGIC DISORDER; LEVINE-CRITCHLEY SYNDROME; Choreoacanthocytosis; Chorea-acanthocytosis; Choreaacanthocytosis; VPS13A Disease. Identifiers: Orphanet 2388, MedGen C0393576, MONDO:0008695, OMIM 200150.

Submission:

Myriad Genetics, Inc.
Classification: Pathogenic for VPS13A-related neurodegenerative disease. Last evaluated: 2025-11-04. Review status: criteria provided, single submitter. Criteria: Myriad Autosomal Dominant, Autosomal Recessive and X-Linked Classification Criteria (2023). Collection method: clinical testing. Allele origin: unknown.
Comment: NM_033305.2(VPS13A):c.4637delC(T1546Nfs*5) is expected to be pathogenic in the context of VPS13A disease. This variant is predicted to lead to an abnormal or absent protein product due to the creation of a premature termination codon in VPS13A, a gene where loss-of-function variants are known to be pathogenic. Please note: this variant was assessed in the context of healthy population screening.